The following is an entry in ClinVar:

NM_183050.4(BCKDHB):c.274+5C>T

Gene: BCKDHB (branched chain keto acid dehydrogenase E1 subunit beta; plus strand). Cytogenetic location: 6q14.1.
Variant type: single nucleotide variant.
Coding change: c.274+5C>T on transcript NM_183050.4 (MANE Select); 5 bases into the intron after coding-DNA position 274, C replaced by T.
Molecular consequence: intron variant.
Genome position (GRCh38, 1-based): chr6:80,127,629, C>T. VCF-style: chr6-80127629-C-T. GRCh37 (hg19) VCF-style: chr6-80837346-C-T.
Other names: c.64+5C>T (NM_001318975.1); c.274+5C>T (NM_000056.5).
Identifiers: ClinVar variation 966544 (VCV000966544.7), dbSNP rs1770414545, ClinGen allele CA1139659706.

ClinVar aggregate classification (germline): Uncertain significance. Review status: criteria provided, single submitter (1 of 4 stars). 2 submissions from 2 submitters: Uncertain significance (1). 1 of the submissions does not count toward it. Last evaluated 2021-09-01.

Conditions:
Maple syrup urine disease type 1B (MSUD1B). Also called: MSUD type IB; MSUD type 3 (formerly); MSUD due to deficiency of e1-beta subunit of branched-chain alpha-keto acid dehydrogenase complex. Identifiers: MedGen C2930990, MONDO:0023692, OMIM 620698.
Maple syrup urine disease (MSUD). Identifiers: Orphanet 511, MedGen C0024776, MeSH D008375, MONDO:0009563. Disease mechanism: loss of function.

Allele frequency attached by ClinVar (database versions not stated): gnomAD exomes below 0.00001; TOPMed below 0.00001.
gnomAD v4.1: 1 of 1,609,056 alleles (0.000062%); highest among the groups gnomAD compares: Non-Finnish European, 0.000085%; no homozygotes.

Submissions (2):

Labcorp Genetics (formerly Invitae), Labcorp
Classification: Uncertain significance for Maple syrup urine disease. Last evaluated: 2021-09-01. Review status: criteria provided, single submitter. Criteria: Invitae Variant Classification Sherloc (09022015). Collection method: clinical testing. Allele origin: germline.
Comment: This sequence change falls in intron 2 of the BCKDHB gene. It does not directly change the encoded amino acid sequence of the BCKDHB protein. It affects a nucleotide within the consensus splice site of the intron. This variant is not present in population databases (ExAC no frequency). This variant has not been reported in the literature in individuals affected with BCKDHB-related conditions. Variants that disrupt the consensus splice site are a relatively common cause of aberrant splicing (PMID: 17576681, 9536098). Algorithms developed to predict the effect of sequence changes on RNA splicing suggest that this variant may disrupt the consensus splice site. In summary, the available evidence is currently insufficient to determine the role of this variant in disease. Therefore, it has been classified as a Variant of Uncertain Significance.

Natera, Inc.
Classification: Uncertain significance for Maple syrup urine disease type 1B. Last evaluated: 2020-02-21. Review status: no assertion criteria provided. Collection method: clinical testing. Allele origin: germline. Not counted in ClinVar's aggregate classification.

Literature cited by the submitters: PubMed 17576681 (cited by Labcorp Genetics (formerly Invitae), Labcorp); PubMed 9536098 (cited by Labcorp Genetics (formerly Invitae), Labcorp).